The following is an entry in ClinVar:

ClinVar aggregate classification (germline): Conflicting classifications of pathogenicity. Review status: criteria provided, conflicting classifications (1 of 4 stars). 5 submissions from 5 submitters: Uncertain significance (1); Likely benign (3). 1 of the submissions does not count toward it. Last evaluated 2025-12-01.

Conditions:
DPAGT1-related disorder. Also called: DPAGT1-related condition.
DPAGT1-congenital disorder of glycosylation. Also called: CONGENITAL DISORDER OF GLYCOSYLATION, TYPE Ij; CDG Ij; DPAGT1-CDG. Identifiers: Orphanet 86309, MedGen C2931004, MONDO:0011964, OMIM 608093.
Congenital myasthenic syndrome 13 (CMS13). Also called: Myasthenic syndrome, congenital, 13, with tubular aggregates; Myasthenic syndrome, congenital, with tubular aggregates 2. Identifiers: Orphanet 353327, Orphanet 590, MedGen C3553645, MONDO:0013883, OMIM 614750.

Allele frequency attached by ClinVar (database versions not stated): TOPMed 0.00003; ExAC 0.00004; gnomAD exomes 0.00005 and 0.00007; gnomAD 0.00007 and 0.00008; ESP Exome Variant Server 0.00015.
gnomAD v4.1: 119 of 1,613,838 alleles (0.0074%); highest among the groups gnomAD compares: Non-Finnish European, 0.0097%; no homozygotes.

Submissions (5):

Labcorp Genetics (formerly Invitae), Labcorp
Classification: Likely benign for Congenital myasthenic syndrome 13; DPAGT1-congenital disorder of glycosylation. Last evaluated: 2025-12-01. Review status: criteria provided, single submitter. Criteria: Invitae Variant Classification Sherloc (09022015). Collection method: clinical testing. Allele origin: germline.

Blueprint Genetics
Classification: Likely benign. Last evaluated: 2024-07-29. Review status: criteria provided, single submitter. Criteria: ACMG Guidelines, 2015. Collection method: clinical testing. Allele origin: germline.

CeGaT Center for Human Genetics Tuebingen
Classification: Likely benign. Last evaluated: 2022-05-01. Review status: criteria provided, single submitter. Criteria: CeGaT Center For Human Genetics Tuebingen Variant Classification Criteria Version 2. Collection method: clinical testing. Allele origin: germline. Affected: yes. Observed: 1 variant allele.
Comment: DPAGT1: BP4, BP7

Illumina Laboratory Services, Illumina
Classification: Uncertain significance for DPAGT1-congenital disorder of glycosylation. Last evaluated: 2018-01-13. Review status: criteria provided, single submitter. Criteria: ICSL Variant Classification Criteria 13 December 2019. Collection method: clinical testing. Allele origin: germline.

PreventionGenetics, part of Exact Sciences
Classification: Likely benign for DPAGT1-related condition. Last evaluated: 2022-01-31. Review status: no assertion criteria provided. Collection method: clinical testing. Allele origin: germline. Not counted in ClinVar's aggregate classification.
Comment: This variant is classified as likely benign based on ACMG/AMP sequence variant interpretation guidelines (Richards et al. 2015 PMID: 25741868, with internal and published modifications).

NM_001382.4(DPAGT1):c.717C>T (p.Leu239=)

Gene: DPAGT1 (dolichyl-phosphate N-acetylglucosaminephosphotransferase 1; minus strand). Cytogenetic location: 11q23.3.
Variant type: single nucleotide variant.
Coding change: c.717C>T on transcript NM_001382.4 (MANE Select); coding-DNA position 717, C replaced by T.
Protein change: p.Leu239=; no amino-acid change (leucine 239 retained).
Molecular consequence: synonymous variant.
Genome position (GRCh38, 1-based): chr11:119,098,414, G>A on the plus strand (C>T on the coding strand, the complement: DPAGT1 is on the minus strand). VCF-style: chr11-119098414-G-A. GRCh37 (hg19) VCF-style: chr11-118969124-G-A.
Identifiers: ClinVar variation 302748 (VCV000302748.41), dbSNP rs377263230, ClinGen allele CA6314562.